The following is an entry in ClinVar:

ClinVar aggregate classification (germline): Uncertain significance. Review status: criteria provided, multiple submitters, no conflicts (2 of 4 stars). 2 submissions from 2 submitters: Uncertain significance (2). Last evaluated 2025-11-18.

Conditions:
Hereditary cancer-predisposing syndrome. Also called: Hereditary Cancer Syndrome; Tumor predisposition; Neoplastic Syndromes, Hereditary; Hereditary neoplastic syndrome. Identifiers: Orphanet 140162, MedGen C0027672, MeSH D009386, MONDO:0015356.
Tuberous sclerosis 2 (TSC2). Identifiers: Orphanet 805, MedGen C1860707, MONDO:0013199, OMIM 613254.

Allele frequency attached by ClinVar (database versions not stated): TOPMed below 0.00001.

Submissions (2):

Labcorp Genetics (formerly Invitae), Labcorp
Classification: Uncertain significance for Tuberous sclerosis 2. Last evaluated: 2025-11-18. Review status: criteria provided, single submitter. Criteria: Invitae Variant Classification Sherloc (09022015). Collection method: clinical testing. Allele origin: germline.
Comment: This sequence change replaces tyrosine, which is neutral and polar, with phenylalanine, which is neutral and non-polar, at codon 336 of the TSC2 protein (p.Tyr336Phe). This variant is not present in population databases (gnomAD no frequency). This variant has not been reported in the literature in individuals affected with TSC2-related conditions. ClinVar contains an entry for this variant (Variation ID: 647762). Invitae Evidence Modeling of protein sequence and biophysical properties (such as structural, functional, and spatial information, amino acid conservation, physicochemical variation, residue mobility, and thermodynamic stability) indicates that this missense variant is not expected to disrupt TSC2 protein function with a negative predictive value of 95%. In summary, the available evidence is currently insufficient to determine the role of this variant in disease. Therefore, it has been classified as a Variant of Uncertain Significance.

Ambry Genetics
Classification: Uncertain significance for Hereditary cancer-predisposing syndrome. Last evaluated: 2024-08-12. Review status: criteria provided, single submitter. Criteria: Ambry Variant Classification Scheme 2023. Collection method: clinical testing. Allele origin: germline.
Comment: The p.Y336F variant (also known as c.1007A>T), located in coding exon 10 of the TSC2 gene, results from an A to T substitution at nucleotide position 1007. The tyrosine at codon 336 is replaced by phenylalanine, an amino acid with highly similar properties. This amino acid position is conserved. In addition, the in silico prediction for this alteration is inconclusive. Based on the available evidence, the clinical significance of this variant remains unclear.

NM_000548.5(TSC2):c.1007A>T (p.Tyr336Phe)

Gene: TSC2 (TSC complex subunit 2; plus strand). Cytogenetic location: 16p13.3.
Variant type: single nucleotide variant.
Coding change: c.1007A>T on transcript NM_000548.5 (MANE Select); coding-DNA position 1007, A replaced by T.
Protein change: p.Tyr336Phe; replaces tyrosine 336 with phenylalanine.
Molecular consequence: missense variant.
Genome position (GRCh38, 1-based): chr16:2,060,701, A>T. VCF-style: chr16-2060701-A-T. GRCh37 (hg19) VCF-style: chr16-2110702-A-T.
Other names: c.1007A>T, p.Tyr336Phe (NM_001077183.3, NM_001114382.3, NM_001363528.2 and 3 more transcripts); c.896A>T, p.Tyr299Phe (NM_001318827.2); c.860A>T, p.Tyr287Phe (NM_001318829.2); c.407A>T, p.Tyr136Phe (NM_001318831.2); c.1040A>T, p.Tyr347Phe (NM_001318832.2); short protein forms Y136F, Y287F, Y299F, Y336F, Y347F.
Identifiers: ClinVar variation 647762 (VCV000647762.9), dbSNP rs780378198, ClinGen allele CA394317419.